The following is an entry in ClinVar:

NM_001298.3(CNGA3):c.1334G>A (p.Trp445Ter)

Gene: CNGA3 (cyclic nucleotide gated channel subunit alpha 3; plus strand). Cytogenetic location: 2q11.2.
Variant type: single nucleotide variant.
Coding change: c.1334G>A on transcript NM_001298.3 (MANE Select); coding-DNA position 1334, G replaced by A.
Protein change: p.Trp445Ter; replaces tryptophan 445 with a stop codon.
Molecular consequence: nonsense.
Genome position (GRCh38, 1-based): chr2:98,396,504, G>A. VCF-style: chr2-98396504-G-A. GRCh37 (hg19) VCF-style: chr2-99012967-G-A.
Other names: c.1280G>A, p.Trp427Ter (NM_001079878.2); short protein forms W427*, W445*.
Identifiers: ClinVar variation 944471 (VCV000944471.9), dbSNP rs1692918950, ClinGen allele CA347833333.

ClinVar aggregate classification (germline): Pathogenic (1 of 4 stars; one submission).

Allele frequency attached by ClinVar (database versions not stated): TOPMed below 0.00001.

Submission:

Labcorp Genetics (formerly Invitae), Labcorp
Classification: Pathogenic. Last evaluated: 2024-08-08. Review status: criteria provided, single submitter. Criteria: Invitae Variant Classification Sherloc (09022015). Collection method: clinical testing. Allele origin: germline.
Comment: This sequence change creates a premature translational stop signal (p.Trp445*) in the CNGA3 gene. While this is not anticipated to result in nonsense mediated decay, it is expected to disrupt the last 250 amino acid(s) of the CNGA3 protein. This variant is not present in population databases (gnomAD no frequency). This variant has not been reported in the literature in individuals affected with CNGA3-related conditions. ClinVar contains an entry for this variant (Variation ID: 944471). This variant disrupts a region of the CNGA3 protein in which other variant(s) (p.Arg499*) have been determined to be pathogenic (PMID: 24269407, 24903488, 28159970). This suggests that this is a clinically significant region of the protein, and that variants that disrupt it are likely to be disease-causing. For these reasons, this variant has been classified as Pathogenic.

Literature cited by the submitters: PubMed 24269407; PubMed 24903488; PubMed 28159970.